The following is an entry in ClinVar:

NM_025179.4(PLXNA2):c.527A>C (p.Glu176Ala)

Gene: PLXNA2 (plexin A2; minus strand). Cytogenetic location: 1q32.2.
Variant type: single nucleotide variant.
Coding change: c.527A>C on transcript NM_025179.4 (MANE Select); coding-DNA position 527, A replaced by C.
Protein change: p.Glu176Ala; replaces glutamic acid 176 with alanine.
Molecular consequence: missense variant.
Genome position (GRCh38, 1-based): chr1:208,217,396, T>G on the plus strand (A>C on the coding strand, the complement: PLXNA2 is on the minus strand). VCF-style: chr1-208217396-T-G. GRCh37 (hg19) VCF-style: chr1-208390741-T-G.
Other names: short protein forms E176A.
Identifiers: ClinVar variation 4979547 (VCV004979547.1).
Genomic context (GRCh38, chr1:208,217,396, plus strand): 5'-GGGAAGTAATCCTGCTTCCCATCCACAGCCGTGCCGATGAAGAGCTTGCCATCCTCACCC[T>G]CAGAGCGCACAATCACCCCGTACATGGTGCCCGTCTTGTTGACACTGGACAGGTAGTGCT-3'
Protein context (NP_079455.3, residues 166-186): GTMYGVIVRS[Glu176Ala]GEDGKLFIGT

ClinVar aggregate classification (germline): Uncertain significance (1 of 4 stars; one submission).

Conditions:
PLXNA2-related disorder. Also called: PLXNA2-related condition.

gnomAD v4.1: 7 of 1,614,032 alleles (0.00043%); highest among the groups gnomAD compares: Non-Finnish European, 0.00059%; no homozygotes.

Submission:

PreventionGenetics, part of Exact Sciences
Classification: Uncertain significance for PLXNA2-related condition. Last evaluated: 2024-12-14. Review status: criteria provided, single submitter. Criteria: ACMG Guidelines, 2015. Collection method: clinical testing. Allele origin: germline.
Comment: The PLXNA2 c.527A>C variant is predicted to result in the amino acid substitution p.Glu176Ala. To our knowledge, this variant has not been reported in the literature. This variant is reported in 0.0023% of alleles in individuals of European (Non-Finnish) descent in gnomAD. At this time, the clinical significance of this variant is uncertain due to the absence of conclusive functional and genetic evidence.